The following is an entry in ClinVar:

ClinVar aggregate classification (germline): Uncertain significance (1 of 4 stars; one submission).

Conditions:
Cerebral amyloid angiopathy, APP-related. Also called: AMYLOIDOSIS, CEREBROARTERIAL, APP-RELATED; Cerebral amyloid angiopathy, Dutch, Italian, Iowa, Flemish, Arctic variants. Identifiers: Orphanet 100006, Orphanet 324703, Orphanet 324708, Orphanet 324713, Orphanet 324718, Orphanet 324723, Orphanet 85458, MedGen C2751536, MONDO:0011583, OMIM 605714.

Allele frequency attached by ClinVar (database versions not stated): gnomAD 0.00001 and 0.00002; gnomAD exomes 0.00001; ExAC 0.00002; 1000 Genomes Project 30x 0.00016; 1000 Genomes Project 0.00020.
gnomAD v4.1: 10 of 1,614,002 alleles (0.00062%); highest among the groups gnomAD compares: Middle Eastern, 0.016%; no homozygotes.

Submission:

Institute of Human Genetics, University of Goettingen
Classification: Uncertain significance for Cerebral amyloid angiopathy, APP-related. Last evaluated: 2021-10-13. Review status: criteria provided, single submitter. Criteria: ACMG Guidelines, 2015. Collection method: clinical testing. Allele origin: unknown. Inheritance: Autosomal dominant inheritance. Observed: 1 heterozygote.
Comment: The APP variant c.1409G>A (p.(Arg470His)) is found at a population frequency of 0.0012% in the gnomAD database, it affects a highly conserved nucleotide and a highly conserved amino acid within a protein domain (Amyloidogenic glycoprotein, E2 domain) and there is a small physicochemical difference between Arg and His. This variant has a pathogenic computational verdict based on 11 pathogenic predictions from BayesDel_addAF, DANN, DEOGEN2, EIGEN, FATHMM-MKL, LIST-S2, M-CAP, MutationAssessor, MutationTaster, PrimateAI and SIFT vs 1 benign prediction from MVP. A mutational hotspot for pathogenic APP variants has been described in exon 17. This variant is located in exon 11 of APP. ACMG criteria used for classification: PM2, PP2, PP3.

NM_000484.4(APP):c.1409G>A (p.Arg470His)

Gene: APP (amyloid beta precursor protein; minus strand). Cytogenetic location: 21q21.3.
Variant type: single nucleotide variant.
Coding change: c.1409G>A on transcript NM_000484.4 (MANE Select); coding-DNA position 1409, G replaced by A.
Protein change: p.Arg470His; replaces arginine 470 with histidine.
Molecular consequence: missense variant.
Genome position (GRCh38, 1-based): chr21:25,975,119, C>T on the plus strand (G>A on the coding strand, the complement: APP is on the minus strand). VCF-style: chr21-25975119-C-T. GRCh37 (hg19) VCF-style: chr21-27347432-C-T.
Other names: c.1337G>A, p.Arg446His (NM_001136016.3); c.1016G>A, p.Arg339His (NM_001136129.3); c.1241G>A, p.Arg414His (NM_001136130.3, NM_001385253.1); c.1079G>A, p.Arg360His (NM_001136131.3); c.1409G>A, p.Arg470His (NM_001204301.2); c.1352G>A, p.Arg451His (NM_001204302.2, NM_201413.3); c.1184G>A, p.Arg395His (NM_001204303.2, NM_201414.3); short protein forms R339H, R360H, R395H, R414H, R446H, R451H, R470H.
Identifiers: ClinVar variation 1299705 (VCV001299705.3), dbSNP rs182162117, ClinGen allele CA9987331.